The following is an entry in ClinVar:

ClinVar aggregate classification (germline): Uncertain significance. Review status: criteria provided, multiple submitters, no conflicts (2 of 4 stars). 6 submissions from 6 submitters: Uncertain significance (4). 2 of the submissions do not count toward it. Last evaluated 2023-08-08.

Conditions:
ALMS1-related disorder. Also called: ALMS1-related condition.
Cardiovascular phenotype. Identifiers: MedGen CN230736.
Alstrom syndrome (ALMS). Identifiers: Orphanet 64, MedGen C0268425, MONDO:0008763, OMIM 203800.

Allele frequency attached by ClinVar (database versions not stated): ExAC 0.00006; 1000 Genomes Project 30x 0.00016; 1000 Genomes Project 0.00020; gnomAD 0.00001 and 0.00003; TOPMed 0.00002; gnomAD exomes 0.00004.
gnomAD v4.1: 30 of 1,610,898 alleles (0.0019%); highest among the groups gnomAD compares: South Asian, 0.029%; no homozygotes.

Submissions (6):

GeneDx
Classification: Uncertain significance. Last evaluated: 2023-08-08. Review status: criteria provided, single submitter. Criteria: GeneDx Variant Classification Process June 2021. Collection method: clinical testing. Allele origin: germline. Affected: yes.
Comment: In silico analysis supports a deleterious effect on splicing; In silico analysis supports that this missense variant does not alter protein structure/function; Has not been previously published as pathogenic or benign to our knowledge

Labcorp Genetics (formerly Invitae), Labcorp
Classification: Uncertain significance for Alstrom syndrome. Last evaluated: 2022-04-12. Review status: criteria provided, single submitter. Criteria: Invitae Variant Classification Sherloc (09022015). Collection method: clinical testing. Allele origin: germline.
Comment: This sequence change replaces arginine, which is basic and polar, with glutamine, which is neutral and polar, at codon 2510 of the ALMS1 protein (p.Arg2510Gln). This variant is present in population databases (rs551433143, gnomAD 0.03%). This variant has not been reported in the literature in individuals affected with ALMS1-related conditions. ClinVar contains an entry for this variant (Variation ID: 432847). Algorithms developed to predict the effect of sequence changes on RNA splicing suggest that this variant may create or strengthen a splice site. In summary, the available evidence is currently insufficient to determine the role of this variant in disease. Therefore, it has been classified as a Variant of Uncertain Significance.

Ambry Genetics
Classification: Uncertain significance for Cardiovascular phenotype. Last evaluated: 2022-03-10. Review status: criteria provided, single submitter. Criteria: Ambry Variant Classification Scheme 2023. Collection method: clinical testing. Allele origin: germline.
Comment: The p.R2510Q variant (also known as c.7529G>A), located in coding exon 8 of the ALMS1 gene, results from a G to A substitution at nucleotide position 7529. The arginine at codon 2510 is replaced by glutamine, an amino acid with highly similar properties. This amino acid position is well conserved in available vertebrate species. In addition, this alteration is predicted to be deleterious by in silico analysis. Since supporting evidence is limited at this time, the clinical significance of this alteration remains unclear.

Fulgent Genetics
Classification: Uncertain significance for Alstrom syndrome. Last evaluated: 2022-02-16. Review status: criteria provided, single submitter. Criteria: ACMG Guidelines, 2015. Collection method: clinical testing. Allele origin: unknown.

PreventionGenetics, part of Exact Sciences
Classification: Uncertain significance for ALMS1-related condition. Last evaluated: 2024-05-10. Review status: no assertion criteria provided. Collection method: clinical testing. Allele origin: germline. Not counted in ClinVar's aggregate classification.
Comment: The ALMS1 c.7529G>A variant is predicted to result in the amino acid substitution p.Arg2510Gln. To our knowledge, this variant has not been reported in the literature. This variant is reported in 0.0034% of alleles in individuals of South Asian descent in gnomAD. At this time, the clinical significance of this variant is uncertain due to the absence of conclusive functional and genetic evidence.

Natera, Inc.
Classification: Uncertain significance for Alstrom syndrome. Last evaluated: 2021-10-06. Review status: no assertion criteria provided. Collection method: clinical testing. Allele origin: germline. Not counted in ClinVar's aggregate classification.

NM_001378454.1(ALMS1):c.7526G>A (p.Arg2509Gln)

Gene: ALMS1 (ALMS1 centrosome and basal body associated protein; plus strand). Cytogenetic location: 2p13.1.
Variant type: single nucleotide variant.
Coding change: c.7526G>A on transcript NM_001378454.1 (MANE Select); coding-DNA position 7526, G replaced by A.
Protein change: p.Arg2509Gln; replaces arginine 2509 with glutamine.
Molecular consequence: missense variant.
Genome position (GRCh38, 1-based): chr2:73,454,053, G>A. VCF-style: chr2-73454053-G-A. GRCh37 (hg19) VCF-style: chr2-73681180-G-A.
Other names: c.7529G>A, p.Arg2510Gln (NM_015120.4); short protein forms R2510Q, R2509Q.
Identifiers: ClinVar variation 432847 (VCV000432847.15), dbSNP rs551433143, ClinGen allele CA1714249.